The following is an entry in ClinVar:

NM_001378454.1(ALMS1):c.1651A>T (p.Thr551Ser)

Gene: ALMS1 (ALMS1 centrosome and basal body associated protein; plus strand). Cytogenetic location: 2p13.1.
Variant type: single nucleotide variant.
Coding change: c.1651A>T on transcript NM_001378454.1 (MANE Select); coding-DNA position 1651, A replaced by T.
Protein change: p.Thr551Ser; replaces threonine 551 with serine.
Molecular consequence: missense variant.
Genome position (GRCh38, 1-based): chr2:73,448,178, A>T. VCF-style: chr2-73448178-A-T. GRCh37 (hg19) VCF-style: chr2-73675305-A-T.
Other names: c.1654A>T, p.Thr552Ser (NM_015120.4); short protein forms T551S, T552S.
Identifiers: ClinVar variation 1210490 (VCV001210490.12), dbSNP rs1271418277, ClinGen allele CA347265022.
Genomic context (GRCh38, chr2:73,448,178, plus strand): 5'-GGTCAACACACTGATACTCTCAACCAAAAGACATTAGCAGATACTCATCTAACTGAAGAG[A>T]CTCTGAAAGTCACAGCTATTCCTGAACCAGCTGACCAGAAGACTGCAACACCAACAGTAC-3'
Protein context (NP_001365383.1, residues 541-561): TLADTHLTEE[Thr551Ser]LKVTAIPEPA

ClinVar aggregate classification (germline): Conflicting classifications of pathogenicity. Review status: criteria provided, conflicting classifications (1 of 4 stars). 4 submissions from 4 submitters: Uncertain significance (2); Likely benign (1). 1 of the submissions does not count toward it. Last evaluated 2025-12-03.

Conditions:
Alstrom syndrome (ALMS). Identifiers: Orphanet 64, MedGen C0268425, MONDO:0008763, OMIM 203800.
Cardiovascular phenotype. Identifiers: MedGen CN230736.

Allele frequency attached by ClinVar (database versions not stated): gnomAD exomes below 0.00001; gnomAD 0.00001 and 0.00002.
gnomAD v4.1: 6 of 1,613,832 alleles (0.00037%); highest among the groups gnomAD compares: African/African-American, 0.0053%; no homozygotes.

Submissions (4):

Ambry Genetics
Classification: Likely benign for Cardiovascular phenotype. Last evaluated: 2025-12-03. Review status: criteria provided, single submitter. Criteria: Ambry Variant Classification Scheme 2023. Collection method: clinical testing. Allele origin: germline.

Labcorp Genetics (formerly Invitae), Labcorp
Classification: Uncertain significance for Alstrom syndrome. Last evaluated: 2022-10-17. Review status: criteria provided, single submitter. Criteria: Invitae Variant Classification Sherloc (09022015). Collection method: clinical testing. Allele origin: germline.
Comment: This sequence change replaces threonine, which is neutral and polar, with serine, which is neutral and polar, at codon 552 of the ALMS1 protein (p.Thr552Ser). This variant is present in population databases (no rsID available, gnomAD no frequency). This variant has not been reported in the literature in individuals affected with ALMS1-related conditions. ClinVar contains an entry for this variant (Variation ID: 1210490). Experimental studies and prediction algorithms are not available or were not evaluated, and the functional significance of this variant is currently unknown. In summary, the available evidence is currently insufficient to determine the role of this variant in disease. Therefore, it has been classified as a Variant of Uncertain Significance.

GeneDx
Classification: Uncertain significance. Last evaluated: 2022-06-14. Review status: criteria provided, single submitter. Criteria: GeneDx Variant Classification Process June 2021. Collection method: clinical testing. Allele origin: germline. Affected: yes.
Comment: Not observed at significant frequency in large population cohorts (gnomAD); In silico analysis, which includes protein predictors and evolutionary conservation, supports that this variant does not alter protein structure/function; Has not been previously published as pathogenic or benign to our knowledge

Natera, Inc.
Classification: Uncertain significance for Alstrom syndrome. Last evaluated: 2020-09-10. Review status: no assertion criteria provided. Collection method: clinical testing. Allele origin: germline. Not counted in ClinVar's aggregate classification.